The following is an entry in ClinVar:

ClinVar aggregate classification (germline): Uncertain significance. Review status: criteria provided, multiple submitters, no conflicts (2 of 4 stars). 6 submissions from 6 submitters: Uncertain significance (6). Last evaluated 2025-10-27.

Conditions:
Cardiovascular phenotype. Identifiers: MedGen CN230736.
Brugada syndrome 6 (BRGDA6). Identifiers: Orphanet 130, MedGen C2751089, MONDO:0013145, OMIM 613119.

Allele frequency attached by ClinVar (database versions not stated): ExAC 0.00002; gnomAD exomes 0.00002; gnomAD 0.00003 and 0.00004; TOPMed 0.00004.

Submissions (6):

Clinical Genomics Laboratory, Washington University in St. Louis
Classification: Uncertain significance for Brugada syndrome 6. Last evaluated: 2025-10-27. Review status: criteria provided, single submitter. Criteria: ACMG Guidelines, 2015. Collection method: clinical testing. Allele origin: germline.
Comment: A KCNE3 c.2T>C (p.Met1?) variant was identified in a heterozygous state. This variant has been identified in the literature in a single control individual who was not affected with cardiac disease (Hedley PL et al., PMID: 21967835). It occurs in 29/1,613,742 alleles in the general population (gnomAD v.4.1.0) indicating it is not a common variant. This variant has been reported in the ClinVar database as a germline variant of uncertain significance by five submitters (ClinVar variation ID: 402994). Computational predictors indicate that the variant is damaging, evidence that correlates with impact to KCNE3 function. The clinical significance of this variant is uncertain.

Labcorp Genetics (formerly Invitae), Labcorp
Classification: Uncertain significance for Brugada syndrome 6. Last evaluated: 2025-09-27. Review status: criteria provided, single submitter. Criteria: Invitae Variant Classification Sherloc (09022015). Collection method: clinical testing. Allele origin: germline.
Comment: This sequence change affects the initiator codon of the KCNE3 mRNA. This change may impact translation initiation or efficiency. The next in-frame methionine is located at codon 59. This variant is present in population databases (rs765329541, gnomAD 0.004%). This variant has not been reported in the literature in individuals affected with KCNE3-related conditions. ClinVar contains an entry for this variant (Variation ID: 402994). Experimental studies and prediction algorithms are not available or were not evaluated, and the functional significance of this variant is currently unknown. In summary, the available evidence is currently insufficient to determine the role of this variant in disease. Therefore, it has been classified as a Variant of Uncertain Significance.

Ambry Genetics
Classification: Uncertain significance for Cardiovascular phenotype. Last evaluated: 2024-02-08. Review status: criteria provided, single submitter. Criteria: Ambry Variant Classification Scheme 2023. Collection method: clinical testing. Allele origin: germline.
Comment: The p.M1? variant (also known as c.2T>C) is located in coding exon 1 of the KCNE3 gene and results from a T to C substitution at nucleotide position 2. This alters the methionine residue at the initiation codon. Variations that modify the initiation codon (ATG) are expected to result in either loss of translation initiation, N-terminal truncation, or cause a shift in the mRNA reading frame; however, loss of function of KCNE3 has not been clearly established as a mechanism of disease. The evidence for this gene-disease relationship is limited; therefore, the clinical significance of this alteration is unclear.

CeGaT Center for Human Genetics Tuebingen
Classification: Uncertain significance. Last evaluated: 2022-07-01. Review status: criteria provided, single submitter. Criteria: CeGaT Center For Human Genetics Tuebingen Variant Classification Criteria Version 2. Collection method: clinical testing. Allele origin: germline. Affected: yes. Observed: 1 variant allele.

Fulgent Genetics
Classification: Uncertain significance for Brugada syndrome 6. Last evaluated: 2022-02-08. Review status: criteria provided, single submitter. Criteria: ACMG Guidelines, 2015. Collection method: clinical testing. Allele origin: unknown.

Laboratory for Molecular Medicine, Mass General Brigham Personalized Medicine
Classification: Uncertain significance. Last evaluated: 2016-10-20. Review status: criteria provided, single submitter. Criteria: LMM Criteria. Collection method: clinical testing. Allele origin: germline.
Comment: Variant identified in a genome or exome case(s) and assessed due to predicted null impact of the variant or pathogenic assertions in the literature or databases. Disclaimer: This variant has not undergone full assessment. The following are preliminary notes: Little available information on this gene, but there are no LOF variants in HGMD. This variant has been previously reported in an HCM proband.

NM_005472.5(KCNE3):c.2T>C (p.Met1Thr)

Gene: KCNE3 (potassium voltage-gated channel subfamily E regulatory subunit 3; minus strand). Cytogenetic location: 11q13.4.
Variant type: single nucleotide variant.
Coding change: c.2T>C on transcript NM_005472.5 (MANE Select); coding-DNA position 2, T replaced by C.
Protein change: p.Met1Thr; changes the start codon (methionine 1).
Molecular consequence: missense variant, initiator codon variant.
Genome position (GRCh38, 1-based): chr11:74,457,562, A>G on the plus strand (T>C on the coding strand, the complement: KCNE3 is on the minus strand). VCF-style: chr11-74457562-A-G. GRCh37 (hg19) VCF-style: chr11-74168607-A-G.
Other names: short protein forms M1T.
Identifiers: ClinVar variation 402994 (VCV000402994.42), dbSNP rs765329541, ClinGen allele CA6184876.